The following is an entry in ClinVar:

NM_001080432.3(FTO):c.*2362G>T

Gene: FTO (FTO alpha-ketoglutarate dependent dioxygenase; plus strand). Cytogenetic location: 16q12.2.
Variant type: single nucleotide variant.
Coding change: c.*2362G>T on transcript NM_001080432.3 (MANE Select); 2362 bases downstream of the stop codon, G replaced by T.
Molecular consequence: 3 prime UTR variant.
Genome position (GRCh38, 1-based): chr16:54,114,277, G>T. VCF-style: chr16-54114277-G-T. GRCh37 (hg19) VCF-style: chr16-54148189-G-T.
Other names: c.*2362G>T (NM_001363891.2, NM_001363894.2, NM_001363896.2 and 6 more transcripts); c.*2480G>T (NM_001363903.2); c.*2538G>T (NM_001363988.2).
Identifiers: ClinVar variation 319735 (VCV000319735.5), dbSNP rs45564131, ClinGen allele CA10638005.

ClinVar aggregate classification (germline): Benign (1 of 4 stars; one submission).

Conditions:
Lethal polymalformative syndrome, Boissel type. Also called: GROWTH RETARDATION, DEVELOPMENTAL DELAY, AND FACIAL DYSMORPHISM. Identifiers: Orphanet 210144, MedGen C2752001, MONDO:0013050, OMIM 612938.

Allele frequency attached by ClinVar (database versions not stated): 1000 Genomes Project 0.00759; 1000 Genomes Project 30x 0.00828; TOPMed 0.01538.

Submission:

Illumina Laboratory Services, Illumina
Classification: Benign for Lethal polymalformative syndrome, Boissel type. Last evaluated: 2018-01-13. Review status: criteria provided, single submitter. Criteria: ICSL Variant Classification Criteria 13 December 2019. Collection method: clinical testing. Allele origin: germline.
Comment: This variant was observed in the ICSL laboratory as part of a predisposition screen in an ostensibly healthy population. It had not been previously curated by ICSL or reported in the Human Gene Mutation Database (HGMD: prior to June 1st, 2018), and was therefore a candidate for classification through an automated scoring system. Utilizing variant allele frequency, disease prevalence and penetrance estimates, and inheritance mode, an automated score was calculated to assess if this variant is too frequent to cause the disease. Based on the score and internal cut-off values, a variant classified as benign is not then subjected to further curation. The score for this variant resulted in a classification of benign for this disease.